The following is an entry in ClinVar:

ClinVar aggregate classification (germline): Uncertain significance (1 of 4 stars; one submission).

Conditions:
RASopathy. Also called: rasopathies; Noonan spectrum disorder. Identifiers: Orphanet 536391, MedGen C5555857, MONDO:0021060.

gnomAD v4.1: 6 of 1,613,880 alleles (0.00037%); highest among the groups gnomAD compares: Non-Finnish European, 0.00042%; no homozygotes.

Submission:

Labcorp Genetics (formerly Invitae), Labcorp
Classification: Uncertain significance for RASopathy. Last evaluated: 2024-12-16. Review status: criteria provided, single submitter. Criteria: Invitae Variant Classification Sherloc (09022015). Collection method: clinical testing. Allele origin: germline.
Comment: This sequence change replaces alanine, which is neutral and non-polar, with glycine, which is neutral and non-polar, at codon 30 of the SHOC2 protein (p.Ala30Gly). This variant is not present in population databases (gnomAD no frequency). This variant has not been reported in the literature in individuals affected with SHOC2-related conditions. An algorithm developed to predict the effect of missense changes on protein structure and function (PolyPhen-2) suggests that this variant is likely to be tolerated. In summary, the available evidence is currently insufficient to determine the role of this variant in disease. Therefore, it has been classified as a Variant of Uncertain Significance.

NM_007373.4(SHOC2):c.89C>G (p.Ala30Gly)

Gene: SHOC2 (SHOC2 leucine rich repeat scaffold protein; plus strand). Cytogenetic location: 10q25.2.
Variant type: single nucleotide variant.
Coding change: c.89C>G on transcript NM_007373.4 (MANE Select); coding-DNA position 89, C replaced by G.
Protein change: p.Ala30Gly; replaces alanine 30 with glycine.
Molecular consequence: missense variant.
Genome position (GRCh38, 1-based): chr10:110,964,447, C>G. VCF-style: chr10-110964447-C-G. GRCh37 (hg19) VCF-style: chr10-112724205-C-G.
Other names: c.89C>G, p.Ala30Gly (NM_001269039.3, NM_001324336.2, NM_001324337.2); short protein forms A30G.
Identifiers: ClinVar variation 3707806 (VCV003707806.2).
Genomic context (GRCh38, chr10:110,964,447, plus strand): 5'-ACTCTAAAGAAAAAGATCCCAAAGTACCATCAGCCAAGGAAAGAGAAAAGGAGGCAAAAG[C>G]CTCTGGAGGTTTTGGGAAAGAGAGCAAAGAAAAAGAACCTAAGACCAAAGGGAAAGATGC-3'
Protein context (NP_031399.2, residues 20-40): SAKEREKEAK[Ala30Gly]SGGFGKESKE